The following is an entry in ClinVar:

NM_000173.7(GP1BA):c.1263G>A (p.Pro421=)

Gene: GP1BA (glycoprotein Ib platelet subunit alpha; plus strand). Cytogenetic location: 17p13.2.
Variant type: single nucleotide variant.
Coding change: c.1263G>A on transcript NM_000173.7 (MANE Select); coding-DNA position 1263, G replaced by A.
Protein change: p.Pro421=; no amino-acid change (proline 421 retained).
Molecular consequence: synonymous variant.
Genome position (GRCh38, 1-based): chr17:4,933,867, G>A. VCF-style: chr17-4933867-G-A. GRCh37 (hg19) VCF-style: chr17-4837162-G-A.
Identifiers: ClinVar variation 3032370 (VCV003032370.2), dbSNP rs774943025, ClinGen allele CA8314946.
Genomic context (GRCh38, chr17:4,933,867, plus strand): 5'-CCTGGAGCCCACTCCAAGCCCGACCACCCCAGAGCCCACCTCAGAGCCCGCCCCCAGCCC[G>A]ACCACCCCGGAGCCCACCTCAGAGCCCGCCCCCAGCCCGACCACCCCAGAGCCCACCTCA-3'
Protein context (NP_000164.5, residues 411-431): PEPTSEPAPS[Pro421=]TTPEPTSEPA

ClinVar aggregate classification (germline): Likely benign (0 of 4 stars; one submission).

Conditions:
GP1BA-related disorder. Also called: GP1BA-related condition.

Allele frequency attached by ClinVar (database versions not stated): gnomAD exomes 0.00003; ExAC 0.00010; gnomAD 0.00022.
gnomAD v4.1: 27 of 923,824 alleles (0.0029%); highest among the groups gnomAD compares: African/African-American, 0.037%; no homozygotes.

Submission:

PreventionGenetics, part of Exact Sciences
Classification: Likely benign for GP1BA-related condition. Last evaluated: 2021-03-03. Review status: no assertion criteria provided. Collection method: clinical testing. Allele origin: germline.
Comment: This variant is classified as likely benign based on ACMG/AMP sequence variant interpretation guidelines (Richards et al. 2015 PMID: 25741868, with internal and published modifications).